The following is an entry in ClinVar:

NM_138576.4(BCL11B):c.2435_2436insAA (p.Val813fs)

Gene: BCL11B (BCL11 transcription factor B; minus strand). Cytogenetic location: 14q32.2.
Variant type: Insertion.
Coding change: c.2435_2436insAA on transcript NM_138576.4 (MANE Select); coding-DNA positions 2435 to 2436, AA inserted.
Protein change: p.Val813fs; shifts the reading frame from valine 813.
Molecular consequence: frameshift variant.
Genome position: GRCh38 VCF-style: chr14-99174400-C-CTT. GRCh37 (hg19) VCF-style: chr14-99640737-C-CTT.
Other names: c.2432_2433insAA, p.Val812fs (NM_001282237.2); c.2219_2220insAA, p.Val741fs (NM_001282238.2); c.2222_2223insAA, p.Val742fs (NM_022898.3); short protein forms V741fs, V742fs, V812fs, V813fs.
Identifiers: ClinVar variation 995958 (VCV000995958.5), dbSNP rs1886396455, ClinGen allele CA1139663741.

ClinVar aggregate classification (germline): Pathogenic. Review status: criteria provided, single submitter (1 of 4 stars). 2 submissions from 2 submitters: Pathogenic (1). 1 of the submissions does not count toward it. Last evaluated 2026-04-08.

Conditions:
Intellectual developmental disorder with speech delay, dysmorphic facies, and t-cell abnormalities. Also called: BCL11B-related BAFopathy. Identifiers: Orphanet 662829, MedGen C4748152, MONDO:0060763, OMIM 618092.
BCL11B-related disorder. Also called: BCL11B-Related Disorders.

Submissions (2):

Women's Health and Genetics/Laboratory Corporation of America, LabCorp
Classification: Pathogenic for BCL11B-Related Disorders. Last evaluated: 2026-04-08. Review status: criteria provided, single submitter. Criteria: LabCorp Variant Classification Summary - May 2015. Collection method: clinical testing. Allele origin: germline.
Comment: Variant summary: BCL11B c.2435_2436insAA (p.Val813ArgfsX32) results in a premature termination codon in the last exon, predicted to cause a truncation of the encoded protein, however, nonsense mediated decay is not expected to occur. The variant was absent in 248816 control chromosomes. To our knowledge, no occurrence of c.2435_2436insAA in individuals affected with BCL11B-related conditions and no experimental evidence demonstrating its impact on protein function have been reported. At least one downstream variant has been classified as Pathogenic/Likely Pathogenic (c.2507G>A, p.Ser836Asn) by our lab, providing evidence that the region altered by the variant is critical to protein function. ClinVar contains an entry for this variant (Variation ID: 995958). Based on the evidence outlined above, the variant was classified as pathogenic.

Center for Molecular Medicine, Children’s Hospital of Fudan University
Classification: Pathogenic for Intellectual developmental disorder with speech delay, dysmorphic facies, and t-cell abnormalities. Review status: no assertion criteria provided. Collection method: clinical testing. Allele origin: de novo. Affected: yes. Not counted in ClinVar's aggregate classification.